The following is an entry in ClinVar:

NM_031935.3(HMCN1):c.15262C>T (p.Arg5088Cys)

Gene: HMCN1 (hemicentin 1; plus strand). Cytogenetic location: 1q31.1.
Variant type: single nucleotide variant.
Coding change: c.15262C>T on transcript NM_031935.3 (MANE Select); coding-DNA position 15262, C replaced by T.
Protein change: p.Arg5088Cys; replaces arginine 5088 with cysteine.
Molecular consequence: missense variant.
Genome position (GRCh38, 1-based): chr1:186,165,116, C>T. VCF-style: chr1-186165116-C-T. GRCh37 (hg19) VCF-style: chr1-186134248-C-T.
Other names: short protein forms R5088C.
Identifiers: ClinVar variation 1954483 (VCV001954483.5), dbSNP rs536109375, ClinGen allele CA33495652.
Genomic context (GRCh38, chr1:186,165,116, plus strand): 5'-GCCAGGGGCAACTATTCCAATAAGCCAGTTAACTTTGCTTTCCTCTCTGTGGTAGGAGAT[C>T]GCAGTAATCAGTGCCCCTCCGGGTTTACCTTAGACTCAGTTGGACCTTTTTGTGCTGGTA-3'
Protein context (NP_114141.2, residues 5078-5098): KIHASISKGD[Arg5088Cys]SNQCPSGFTL

ClinVar aggregate classification (germline): Uncertain significance (1 of 4 stars; one submission).

Allele frequency attached by ClinVar (database versions not stated): gnomAD 0.00001; TOPMed 0.00001; 1000 Genomes Project 30x 0.00016; 1000 Genomes Project 0.00020.
gnomAD v4.1: 12 of 1,613,890 alleles (0.00074%); highest among the groups gnomAD compares: Non-Finnish European, 0.00085%; no homozygotes.

Submission:

Labcorp Genetics (formerly Invitae), Labcorp
Classification: Uncertain significance. Last evaluated: 2022-09-10. Review status: criteria provided, single submitter. Criteria: Invitae Variant Classification Sherloc (09022015). Collection method: clinical testing. Allele origin: germline.
Comment: Algorithms developed to predict the effect of sequence changes on RNA splicing suggest that this variant may disrupt the consensus splice site. Algorithms developed to predict the effect of missense changes on protein structure and function are either unavailable or do not agree on the potential impact of this missense change (SIFT: "Deleterious"; PolyPhen-2: "Probably Damaging"; Align-GVGD: "Class C0"). This variant has not been reported in the literature in individuals affected with HMCN1-related conditions. This variant is not present in population databases (gnomAD no frequency). This sequence change replaces arginine, which is basic and polar, with cysteine, which is neutral and slightly polar, at codon 5088 of the HMCN1 protein (p.Arg5088Cys). In summary, the available evidence is currently insufficient to determine the role of this variant in disease. Therefore, it has been classified as a Variant of Uncertain Significance.